The following is an entry in ClinVar:

NM_000540.3(RYR1):c.1298C>T (p.Thr433Met)

Gene: RYR1 (ryanodine receptor 1; plus strand). Cytogenetic location: 19q13.2.
Variant type: single nucleotide variant.
Coding change: c.1298C>T on transcript NM_000540.3 (MANE Select); coding-DNA position 1298, C replaced by T.
Protein change: p.Thr433Met; replaces threonine 433 with methionine.
Molecular consequence: missense variant.
Genome position (GRCh38, 1-based): chr19:38,452,872, C>T. VCF-style: chr19-38452872-C-T. GRCh37 (hg19) VCF-style: chr19-38943512-C-T.
Other names: c.1298C>T, p.Thr433Met (NM_001042723.2); short protein forms T433M.
Identifiers: ClinVar variation 837913 (VCV000837913.8), dbSNP rs773794000, ClinGen allele CA059523.

ClinVar aggregate classification (germline): Uncertain significance. Review status: criteria provided, multiple submitters, no conflicts (2 of 4 stars). 3 submissions from 3 submitters: Uncertain significance (3). Last evaluated 2024-01-31.

Conditions:
RYR1-related disorder. Also called: RYR1-related disorders; RYR1-related condition. Identifiers: MedGen CN239331.
Malignant hyperthermia, susceptibility to, 1 (MHS1). Also called: Malignant hyperthermia suceptibility 1; RYR1-Related Malignant Hyperthermia Susceptibility; Anesthesia related hyperthermia; Malignant hyperpyrexia; Fulminating hyperpyrexia; Pharmacogenic myopathy. Identifiers: Orphanet 423, MedGen C2930980, MONDO:0007783, OMIM 145600.
Inborn genetic diseases. Identifiers: MedGen C0950123, MeSH D030342.

Allele frequency attached by ClinVar (database versions not stated): TOPMed below 0.00001; gnomAD 0.00001; gnomAD exomes 0.00001; ExAC 0.00003.
gnomAD v4.1: 8 of 1,609,992 alleles (0.0005%); highest among the groups gnomAD compares: East Asian, 0.0022%; no homozygotes.

Submissions (3):

Ambry Genetics
Classification: Uncertain significance for Inborn genetic diseases. Last evaluated: 2024-01-31. Review status: criteria provided, single submitter. Criteria: Ambry Variant Classification Scheme 2023. Collection method: clinical testing. Allele origin: germline.

Color Diagnostics, LLC DBA Color Health
Classification: Uncertain significance for Malignant hyperthermia, susceptibility to, 1. Last evaluated: 2023-08-02. Review status: criteria provided, single submitter. Criteria: ACMG Guidelines, 2015. Collection method: clinical testing. Allele origin: germline.
Comment: This missense variant replaces threonine with methionine at codon 433 of the RYR1 protein. Computational prediction suggests that this variant may not impact protein structure and function. To our knowledge, functional studies have not been reported for this variant. This variant has not been reported in individuals affected with RYR1-related disorders in the literature. This variant has been identified in 3/239392 chromosomes in the general population by the Genome Aggregation Database (gnomAD). The available evidence is insufficient to determine the role of this variant in disease conclusively. Therefore, this variant is classified as a Variant of Uncertain Significance.

Labcorp Genetics (formerly Invitae), Labcorp
Classification: Uncertain significance for RYR1-related disorder. Last evaluated: 2021-08-27. Review status: criteria provided, single submitter. Criteria: Invitae Variant Classification Sherloc (09022015). Collection method: clinical testing. Allele origin: germline.
Comment: This sequence change replaces threonine with methionine at codon 433 of the RYR1 protein (p.Thr433Met). The threonine residue is weakly conserved and there is a moderate physicochemical difference between threonine and methionine. This variant is present in population databases (rs773794000, ExAC 0.005%). This variant has not been reported in the literature in individuals affected with RYR1-related conditions. Algorithms developed to predict the effect of missense changes on protein structure and function are either unavailable or do not agree on the potential impact of this missense change (SIFT: "Deleterious"; PolyPhen-2: "Benign"; Align-GVGD: "Class C0"). In summary, the available evidence is currently insufficient to determine the role of this variant in disease. Therefore, it has been classified as a Variant of Uncertain Significance.